The following is an entry in ClinVar:

ClinVar aggregate classification (germline): Uncertain significance (1 of 4 stars; one submission).

Conditions:
Hyperkalemic periodic paralysis. Also called: Familial hyperkalemic periodic paralysis; Gamstorp disease. Identifiers: Orphanet 682, MedGen C0238357, MONDO:0008224, OMIM 170500, HP:0007215.

Allele frequency attached by ClinVar (database versions not stated): gnomAD 0.00002; gnomAD exomes 0.00001; ExAC 0.00002.
gnomAD v4.1: 11 of 1,613,916 alleles (0.00068%); highest among the groups gnomAD compares: African/African-American, 0.0013%; no homozygotes.

Submission:

Labcorp Genetics (formerly Invitae), Labcorp
Classification: Uncertain significance for Hyperkalemic periodic paralysis. Last evaluated: 2024-04-25. Review status: criteria provided, single submitter. Criteria: Invitae Variant Classification Sherloc (09022015). Collection method: clinical testing. Allele origin: germline.
Comment: This sequence change replaces glycine, which is neutral and non-polar, with arginine, which is basic and polar, at codon 1540 of the SCN4A protein (p.Gly1540Arg). This variant is present in population databases (rs745467587, gnomAD 0.003%). This variant has not been reported in the literature in individuals affected with SCN4A-related conditions. Advanced modeling of protein sequence and biophysical properties (such as structural, functional, and spatial information, amino acid conservation, physicochemical variation, residue mobility, and thermodynamic stability) performed at Invitae indicates that this missense variant is expected to disrupt SCN4A protein function with a positive predictive value of 80%. In summary, the available evidence is currently insufficient to determine the role of this variant in disease. Therefore, it has been classified as a Variant of Uncertain Significance.

NM_000334.4(SCN4A):c.4618G>A (p.Gly1540Arg)

Genes: GH-LCR (growth hormone locus control region; plus strand), SCN4A (sodium voltage-gated channel alpha subunit 4; minus strand). Cytogenetic location: 17q23.3.
Variant type: single nucleotide variant.
Coding change: c.4618G>A on transcript NM_000334.4 (MANE Select); coding-DNA position 4618, G replaced by A.
Protein change: p.Gly1540Arg; replaces glycine 1540 with arginine.
Molecular consequence: missense variant.
Genome position (GRCh38, 1-based): chr17:63,941,664, C>T on the plus strand (G>A on the coding strand, the complement: SCN4A is on the minus strand). VCF-style: chr17-63941664-C-T. GRCh37 (hg19) VCF-style: chr17-62019024-C-T.
Other names: short protein forms G1540R.
Identifiers: ClinVar variation 2908656 (VCV002908656.3), dbSNP rs745467587, ClinGen allele CA8708931.